The following is an entry in ClinVar:

ClinVar aggregate classification (germline): Uncertain significance (1 of 4 stars; one submission).

Conditions:
Cardiovascular phenotype. Identifiers: MedGen CN230736.

Submission:

Ambry Genetics
Classification: Uncertain significance for Cardiovascular phenotype. Last evaluated: 2026-08-08. Review status: criteria provided, single submitter. Criteria: Ambry Variant Classification Scheme 2023. Collection method: clinical testing. Allele origin: germline.
Comment: The p.G319V variant (also known as c.956G>T), located in coding exon 8 of the DSG2 gene, results from a G to T substitution at nucleotide position 956. The glycine at codon 319 is replaced by valine, an amino acid with dissimilar properties. This amino acid position is conserved. In addition, the in silico prediction for this alteration is inconclusive. Based on the available evidence, the clinical significance of this variant remains unclear.

NM_001943.5(DSG2):c.956G>T (p.Gly319Val)

Gene: DSG2 (desmoglein 2; plus strand). Cytogenetic location: 18q12.1.
Variant type: single nucleotide variant.
Coding change: c.956G>T on transcript NM_001943.5 (MANE Select); coding-DNA position 956, G replaced by T.
Protein change: p.Gly319Val; replaces glycine 319 with valine.
Molecular consequence: missense variant.
Genome position (GRCh38, 1-based): chr18:31,524,830, G>T. VCF-style: chr18-31524830-G-T. GRCh37 (hg19) VCF-style: chr18-29104793-G-T.
Other names: short protein forms G319V.
Identifiers: ClinVar variation 5035614 (VCV005035614.1).